The following is an entry in ClinVar:

NM_020297.4(ABCC9):c.372T>C (p.Asn124=)

Gene: ABCC9 (ATP binding cassette subfamily C member 9; minus strand). Cytogenetic location: 12p12.1.
Variant type: single nucleotide variant.
Coding change: c.372T>C on transcript NM_020297.4 (MANE Select); coding-DNA position 372, T replaced by C.
Protein change: p.Asn124=; no amino-acid change (asparagine 124 retained).
Molecular consequence: synonymous variant. On other transcripts: 5 prime UTR variant (1).
Genome position (GRCh38, 1-based): chr12:21,925,976, A>G on the plus strand (T>C on the coding strand, the complement: ABCC9 is on the minus strand). VCF-style: chr12-21925976-A-G. GRCh37 (hg19) VCF-style: chr12-22078910-A-G.
Other names: c.372T>C, p.Asn124= (NM_001377273.1, NM_005691.4); c.-83T>C (NM_001377274.1).
Identifiers: ClinVar variation 45410 (VCV000045410.58), dbSNP rs377384557, ClinGen allele CA136274.

ClinVar aggregate classification (germline): Conflicting classifications of pathogenicity. Review status: criteria provided, conflicting classifications (1 of 4 stars). 15 submissions from 14 submitters: Uncertain significance (2); Benign (3); Likely benign (7). 3 of the submissions do not count toward it. Last evaluated 2026-09-01.

Conditions:
Cardiovascular phenotype. Identifiers: MedGen CN230736.
Cardiomyopathy (CMYO). Also called: Cardiomyopathies. Identifiers: Orphanet 167848, MedGen C0878544, MONDO:0004994, HP:0001638. Inheritance: Various modes of inheritance.
Hypertrichotic osteochondrodysplasia Cantu type. Also called: Cantú Syndrome; Cantu Syndrome. Identifiers: Orphanet 1517, MedGen C0795905, MONDO:0009406, OMIM 239850.
Dilated cardiomyopathy 1O (CMD1O). Also called: CARDIOMYOPATHY, DILATED, WITH VENTRICULAR TACHYCARDIA. Identifiers: Orphanet 154, MedGen C1837839, MONDO:0012062, OMIM 608569.

Allele frequency attached by ClinVar (database versions not stated): TOPMed 0.00045; gnomAD 0.00050 and 0.00051; ESP Exome Variant Server 0.00069; gnomAD exomes 0.00078 and 0.00063; ExAC 0.00068.
gnomAD v4.1: 1,190 of 1,613,634 alleles (0.074%); highest among the groups gnomAD compares: Non-Finnish European, 0.095%; 3 homozygotes.

Submissions (15):

CeGaT Center for Human Genetics Tuebingen
Classification: Likely benign. Last evaluated: 2026-09-01. Review status: criteria provided, single submitter. Criteria: CeGaT Center For Human Genetics Tuebingen Variant Classification Criteria Version 2. Collection method: clinical testing. Allele origin: germline. Affected: yes. Observed: 16 variant alleles.
Comment: ABCC9: BP4, BP7

Labcorp Genetics (formerly Invitae), Labcorp
Classification: Benign for Dilated cardiomyopathy 1O. Last evaluated: 2026-02-03. Review status: criteria provided, single submitter. Criteria: Invitae Variant Classification Sherloc (09022015). Collection method: clinical testing. Allele origin: germline.

Laboratory of Genetics, Children's Clinical University Hospital Latvia
Classification: Likely benign. Last evaluated: 2025-02-16. Review status: criteria provided, single submitter. Criteria: ACMG Guidelines, 2015. Collection method: clinical testing. Allele origin: germline. Affected: yes.

Blueprint Genetics
Classification: Likely benign. Last evaluated: 2024-11-07. Review status: criteria provided, single submitter. Criteria: ACMG Guidelines, 2015. Collection method: clinical testing. Allele origin: germline.

ARUP Laboratories, Molecular Genetics and Genomics, ARUP Laboratories
Classification: Likely benign. Last evaluated: 2024-02-06. Review status: criteria provided, single submitter. Criteria: ARUP Molecular Germline Variant Investigation Process 2024. Collection method: clinical testing. Allele origin: germline.

Women's Health and Genetics/Laboratory Corporation of America, LabCorp
Classification: Benign. Last evaluated: 2023-03-12. Review status: criteria provided, single submitter. Criteria: LabCorp Variant Classification Summary - May 2015. Collection method: clinical testing. Allele origin: germline.

GeneDx
Classification: Likely benign. Last evaluated: 2021-10-28. Review status: criteria provided, single submitter. Criteria: GeneDx Variant Classification Process June 2021. Collection method: clinical testing. Allele origin: germline. Affected: yes.
Comment: This variant is associated with the following publications: (PMID: 24503780)

CHEO Genetics Diagnostic Laboratory, Children's Hospital of Eastern Ontario
Classification: Benign for Cardiomyopathy. Last evaluated: 2019-12-18. Review status: criteria provided, single submitter. Criteria: ACMG Guidelines, 2015. Collection method: clinical testing. Allele origin: germline. Study: Canadian Open Genetics Repository.

Illumina Laboratory Services, Illumina
Classification: Uncertain significance for Hypertrichotic osteochondrodysplasia Cantu type. Last evaluated: 2018-01-12. Review status: criteria provided, single submitter. Criteria: ICSL Variant Classification Criteria 13 December 2019. Collection method: clinical testing. Allele origin: germline.

Illumina Laboratory Services, Illumina
Classification: Uncertain significance for Dilated cardiomyopathy 1O. Last evaluated: 2018-01-12. Review status: criteria provided, single submitter. Criteria: ICSL Variant Classification Criteria 13 December 2019. Collection method: clinical testing. Allele origin: germline.

Ambry Genetics
Classification: Likely benign for Cardiovascular phenotype. Last evaluated: 2017-04-07. Review status: criteria provided, single submitter. Criteria: Ambry Variant Classification Scheme 2023. Collection method: clinical testing. Allele origin: germline.

Laboratory for Molecular Medicine, Mass General Brigham Personalized Medicine
Classification: Likely benign. Last evaluated: 2013-05-08. Review status: criteria provided, single submitter. Criteria: LMM Criteria. Collection method: clinical testing. Allele origin: germline. Observed: 5 variant alleles.
Comment: Asn124Asn in exon 3 of ABCC9: This variant is not expected to have clinical sign ificance because it does not alter an amino acid residue and is not located with in the splice consensus sequence. It has been identified in 0.1% (9/8600) of Eu ropean American chromosomes from a broad population by the NHLBI Exome Sequencin g Project. Asn124Asn in exon 3 of ABCC9 (all ele frequency = 0.1%, 9/8600) **

Clinical Genetics DNA and cytogenetics Diagnostics Lab, Erasmus MC, Erasmus Medical Center
Classification: Likely benign. Review status: no assertion criteria provided. Collection method: clinical testing. Allele origin: germline. Affected: yes. Study: VKGL Data-share Consensus. Not counted in ClinVar's aggregate classification.

Genome Diagnostics Laboratory, University Medical Center Utrecht
Classification: Likely benign. Review status: no assertion criteria provided. Collection method: clinical testing. Allele origin: germline. Affected: yes. Study: VKGL Data-share Consensus. Not counted in ClinVar's aggregate classification.

Joint Genome Diagnostic Labs from Nijmegen and Maastricht, Radboudumc and MUMC+
Classification: Benign. Review status: no assertion criteria provided. Collection method: clinical testing. Allele origin: germline. Affected: yes. Study: VKGL Data-share Consensus. Not counted in ClinVar's aggregate classification.